The following is an entry in ClinVar:

NM_000784.4(CYP27A1):c.506_507delinsA (p.Ala169fs)

Gene: CYP27A1 (cytochrome P450 family 27 subfamily A member 1; plus strand). Cytogenetic location: 2q35.
Variant type: Indel.
Coding change: c.506_507delinsA on transcript NM_000784.4 (MANE Select); coding-DNA positions 506 to 507, CG replaced by A.
Protein change: p.Ala169fs; shifts the reading frame from alanine 169.
Molecular consequence: frameshift variant.
Genome position (GRCh38, 1-based): chr2:218,812,281-218,812,282, CG replaced by A. VCF-style: chr2-218812281-CG-A. GRCh37 (hg19) VCF-style: chr2-219677004-CG-A.
Other names: short protein forms A169fs.
Identifiers: ClinVar variation 575859 (VCV000575859.5), dbSNP rs1559392331, ClinGen allele CA891843105.

ClinVar aggregate classification (germline): Pathogenic (1 of 4 stars; one submission).

Conditions:
Cholestanol storage disease (CTX). Also called: CTX: Cerebrotendinous xanthomatosis; CEREBRAL CHOLESTERINOSIS; Cerebrotendinous Xanthomatosis. Identifiers: Orphanet 909, MedGen C0238052, MONDO:0008948, OMIM 213700.

Submission:

Labcorp Genetics (formerly Invitae), Labcorp
Classification: Pathogenic for Cholestanol storage disease. Last evaluated: 2017-11-18. Review status: criteria provided, single submitter. Criteria: Invitae Variant Classification Sherloc (09022015). Collection method: clinical testing. Allele origin: germline.
Comment: This sequence change creates a premature translational stop signal (p.Ala169Glufs*13) in the CYP27A1 gene. It is expected to result in an absent or disrupted protein product. For these reasons, this variant has been classified as Pathogenic. Loss-of-function variants in CYP27A1 are known to be pathogenic (PMID: 9392430, 10775536, 26937392). This variant has not been reported in the literature in individuals with CYP27A1-related disease. This variant is not present in population databases (ExAC no frequency).

Literature cited by the submitters: PubMed 9392430; PubMed 10775536; PubMed 26937392.